The following is an entry in ClinVar:

NM_000436.4(OXCT1):c.1070A>G (p.His357Arg)

Gene: OXCT1 (3-oxoacid CoA-transferase 1; minus strand). Cytogenetic location: 5p13.1.
Variant type: single nucleotide variant.
Coding change: c.1070A>G on transcript NM_000436.4 (MANE Select); coding-DNA position 1070, A replaced by G.
Protein change: p.His357Arg; replaces histidine 357 with arginine.
Molecular consequence: missense variant. On other transcripts: non-coding transcript variant (1).
Genome position (GRCh38, 1-based): chr5:41,801,051, T>C on the plus strand (A>G on the coding strand, the complement: OXCT1 is on the minus strand). VCF-style: chr5-41801051-T-C. GRCh37 (hg19) VCF-style: chr5-41801153-T-C.
Other names: c.1091A>G, p.His364Arg (NM_001364299.2, NM_001364300.2); c.1064A>G, p.His355Arg (NM_001364301.2); c.1070A>G, p.His357Arg (NM_001364302.2); c.512A>G, p.His171Arg (NM_001364303.2); short protein forms H171R, H355R, H357R, H364R.
Identifiers: ClinVar variation 3731449 (VCV003731449.1).
Genomic context (GRCh38, chr5:41,801,051, plus strand): 5'-AAAGGGAAGGGCTAGAAATAAGTGAGCTTACCTGCATTGATGAGATCTGCATCAGCTTCA[T>C]GTTGTCGTGGATATGGACCCTGTCAAATACAACATACATTCAATTAGTAAATGAAGATTC-3'
Protein context (NP_000427.1, residues 347-367): VLGLGPYPRQ[His357Arg]EADADLINAG

ClinVar aggregate classification (germline): Uncertain significance (1 of 4 stars; one submission).

Conditions:
Succinyl-CoA acetoacetate transferase deficiency (SCOTD). Also called: 3-Oxoacid CoA Transferase Deficiency; KETOACIDOSIS DUE TO SCOT DEFICIENCY; SCOT DEFICIENCY; SUCCINYL-CoA:3-KETOACID CoA-TRANSFERASE DEFICIENCY; Succinyl CoA:3-oxoacid CoA transferase deficiency. Identifiers: Orphanet 832, MedGen C0342792, MONDO:0009492, OMIM 245050.

Submission:

Neuberg Centre For Genomic Medicine, NCGM
Classification: Uncertain significance for Succinyl-CoA acetoacetate transferase deficiency. Review status: criteria provided, single submitter. Criteria: ACMG Guidelines, 2015. Collection method: clinical testing. Allele origin: germline. Affected: yes.
Comment: The observed missense variant c.1070A>G(p.His357Arg) in the OXCT1 gene has not been reported previously as a pathogenic variant nor as a benign variant, to our knowledge. This variant is absent in the gnomAD Exomes. The amino acid His at position 357 is changed to a Arg changing protein sequence and it might alter its composition and physico-chemical properties. Multiple lines of computational evidence (Polyphen - Benign, SIFT - Tolerated and MutationTaster - Polymorphism) predict no damaging effect on protein structure and function for this variant. The residue is conserved by GERP++ and PhyloP across 100 vertebrates. For these reasons, this variant has been classified as Uncertain Significance. In the absence of another reportable variant, the molecular diagnosis is not confirmed.